The following is an entry in ClinVar:

ClinVar aggregate classification (germline): Likely benign. Review status: criteria provided, single submitter (1 of 4 stars). 2 submissions from 2 submitters: Likely benign (1). 1 of the submissions does not count toward it.

Conditions:
PPFIBP2-related disorder. Also called: PPFIBP2-related condition.

Allele frequency attached by ClinVar (database versions not stated): gnomAD exomes 0.00005; ExAC 0.00012; ESP Exome Variant Server 0.00038; 1000 Genomes Project 30x 0.00047; gnomAD 0.00048; 1000 Genomes Project 0.00060; TOPMed 0.00064.
gnomAD v4.1: 151 of 1,614,210 alleles (0.0094%); highest among the groups gnomAD compares: African/African-American, 0.17%; no homozygotes.

Submissions (2):

Breakthrough Genomics
Classification: Likely benign. Review status: criteria provided, single submitter. Criteria: ACMG Guidelines, 2015. Collection method: not provided. Allele origin: germline. Inheritance: Unknown mechanism. Affected: yes.

PreventionGenetics, part of Exact Sciences
Classification: Likely benign for PPFIBP2-related condition. Last evaluated: 2022-04-18. Review status: no assertion criteria provided. Collection method: clinical testing. Allele origin: germline. Not counted in ClinVar's aggregate classification.
Comment: This variant is classified as likely benign based on ACMG/AMP sequence variant interpretation guidelines (Richards et al. 2015 PMID: 25741868, with internal and published modifications).

NM_003621.5(PPFIBP2):c.733G>A (p.Glu245Lys)

Gene: PPFIBP2 (PPFIA binding protein 2; plus strand). Cytogenetic location: 11p15.4.
Variant type: single nucleotide variant.
Coding change: c.733G>A on transcript NM_003621.5 (MANE Select); coding-DNA position 733, G replaced by A.
Protein change: p.Glu245Lys; replaces glutamic acid 245 with lysine.
Molecular consequence: missense variant. On other transcripts: non-coding transcript variant (1).
Genome position (GRCh38, 1-based): chr11:7,625,798, G>A. VCF-style: chr11-7625798-G-A. GRCh37 (hg19) VCF-style: chr11-7647029-G-A.
Other names: c.397G>A, p.Glu133Lys (NM_001256568.2); c.304G>A, p.Glu102Lys (NM_001256569.2); c.733G>A, p.Glu245Lys (NM_001351853.2, NM_001351854.2, NM_001351855.2 and 1 more transcripts); c.739G>A, p.Glu247Lys (NM_001351856.2); c.502G>A, p.Glu168Lys (NM_001351857.2, NM_001351858.2, NM_001351859.2 and 1 more transcripts); c.526G>A, p.Glu176Lys (NM_001351860.2); short protein forms E102K, E133K, E168K, E176K, E245K, E247K.
Identifiers: ClinVar variation 3050936 (VCV003050936.3), dbSNP rs140620299, ClinGen allele CA5866648.
Genomic context (GRCh38, chr11:7,625,798, plus strand): 5'-TCCTTCTGACCTGGTAGGGATCCTCTGTTGCTCTTCCAGGCTGAAGTCGCCCAGCTGCAA[G>A]AACAGGTGGCCCTGAAAGATGCAGAAATTGAGCGTCTGCACAGCCAGCTCTCCCGGACAG-3'
Protein context (NP_003612.3, residues 235-255): ATKAEVAQLQ[Glu245Lys]QVALKDAEIE